The following is an entry in ClinVar:

ClinVar aggregate classification (germline): Likely benign. Review status: criteria provided, single submitter (1 of 4 stars). 2 submissions from 2 submitters: Likely benign (1). 1 of the submissions does not count toward it. Last evaluated 2022-04-01.

Conditions:
MYO7B-related disorder. Also called: MYO7B-related condition.

Allele frequency attached by ClinVar (database versions not stated): gnomAD exomes 0.00031; ExAC 0.00093; ESP Exome Variant Server 0.00223; gnomAD 0.00256; TOPMed 0.00310; 1000 Genomes Project 30x 0.00375; 1000 Genomes Project 0.00419.
gnomAD v4.1: 886 of 1,612,706 alleles (0.055%); highest among the groups gnomAD compares: African/African-American, 0.88%; 6 homozygotes.

Submissions (2):

CeGaT Center for Human Genetics Tuebingen
Classification: Likely benign. Last evaluated: 2022-04-01. Review status: criteria provided, single submitter. Criteria: CeGaT Center For Human Genetics Tuebingen Variant Classification Criteria Version 2. Collection method: clinical testing. Allele origin: germline. Affected: yes. Observed: 1 variant allele.
Comment: MYO7B: BP4, BP7

PreventionGenetics, part of Exact Sciences
Classification: Benign for MYO7B-related condition. Last evaluated: 2019-05-01. Review status: no assertion criteria provided. Collection method: clinical testing. Allele origin: germline. Not counted in ClinVar's aggregate classification.
Comment: This variant is classified as benign based on ACMG/AMP sequence variant interpretation guidelines (Richards et al. 2015 PMID: 25741868, with internal and published modifications).

NM_001393586.1(MYO7B):c.5451C>T (p.Ala1817=)

Gene: MYO7B (myosin VIIB; plus strand). Cytogenetic location: 2q14.3.
Variant type: single nucleotide variant.
Coding change: c.5451C>T on transcript NM_001393586.1 (MANE Select); coding-DNA position 5451, C replaced by T.
Protein change: p.Ala1817=; no amino-acid change (alanine 1817 retained).
Molecular consequence: synonymous variant.
Genome position (GRCh38, 1-based): chr2:127,633,303, C>T. VCF-style: chr2-127633303-C-T. GRCh37 (hg19) VCF-style: chr2-128390878-C-T.
Other names: c.5373C>T, p.Ala1791= (NM_001080527.2); c.1932C>T, p.Ala644= (NM_001393594.1); c.5373C>T (NM_001080527.1).
Identifiers: ClinVar variation 2651337 (VCV002651337.25), dbSNP rs187045307, ClinGen allele CA1862283.